The following is an entry in ClinVar:

NM_001211.6(BUB1B):c.2696A>G (p.Asp899Gly)

Genes: BUB1B (BUB1 mitotic checkpoint serine/threonine kinase B; plus strand), BUB1B-PAK6 (BUB1B-PAK6 readthrough; plus strand). Cytogenetic location: 15q15.1.
Variant type: single nucleotide variant.
Coding change: c.2696A>G on transcript NM_001211.6 (MANE Select); coding-DNA position 2696, A replaced by G.
Protein change: p.Asp899Gly; replaces aspartic acid 899 with glycine.
Molecular consequence: missense variant. On other transcripts: 5 prime UTR variant (2).
Genome position (GRCh38, 1-based): chr15:40,217,513, A>G. VCF-style: chr15-40217513-A-G. GRCh37 (hg19) VCF-style: chr15-40509714-A-G.
Other names: c.-355A>G (NM_001128628.3); c.-272A>G (NM_001128629.3); short protein forms D899G.
Identifiers: ClinVar variation 3221406 (VCV003221406.1), dbSNP rs2542584540, ClinGen allele CA391687445.

ClinVar aggregate classification (germline): Uncertain significance (1 of 4 stars; one submission).

Conditions:
Inborn genetic diseases. Identifiers: MedGen C0950123, MeSH D030342.

Submission:

Ambry Genetics
Classification: Uncertain significance for Inborn genetic diseases. Last evaluated: 2023-12-22. Review status: criteria provided, single submitter. Criteria: Ambry Variant Classification Scheme 2023. Collection method: clinical testing. Allele origin: germline.
Comment: The p.D899G variant (also known as c.2696A>G), located in coding exon 21 of the BUB1B gene, results from an A to G substitution at nucleotide position 2696. The aspartic acid at codon 899 is replaced by glycine, an amino acid with similar properties. This amino acid position is conserved. In addition, this alteration is predicted to be tolerated by in silico analysis. Since supporting evidence is limited at this time, the clinical significance of this alteration remains unclear.